The following is an entry in ClinVar:

NM_177438.3(DICER1):c.4525A>G (p.Met1509Val)

Gene: DICER1 (dicer 1, ribonuclease III; minus strand). Cytogenetic location: 14q32.13.
Variant type: single nucleotide variant.
Coding change: c.4525A>G on transcript NM_177438.3 (MANE Select); coding-DNA position 4525, A replaced by G.
Protein change: p.Met1509Val; replaces methionine 1509 with valine.
Molecular consequence: missense variant. On other transcripts: non-coding transcript variant (6).
Genome position (GRCh38, 1-based): chr14:95,096,395, T>C on the plus strand (A>G on the coding strand, the complement: DICER1 is on the minus strand). VCF-style: chr14-95096395-T-C. GRCh37 (hg19) VCF-style: chr14-95562732-T-C.
Other names: c.4525A>G, p.Met1509Val (NM_001195573.1, NM_001271282.3, NM_001291628.2 and 13 more transcripts); c.4243A>G, p.Met1415Val (NM_001395686.1); c.4120A>G, p.Met1374Val (NM_001395687.1, NM_001395688.1, NM_001395689.1 and 2 more transcripts); c.3958A>G, p.Met1320Val (NM_001395691.1); c.2842A>G, p.Met948Val (NM_001395697.1); short protein forms M1320V, M1374V, M1415V, M1509V, M948V.
Identifiers: ClinVar variation 1715642 (VCV001715642.8), dbSNP rs2542498259, ClinGen allele CA390867961.
Genomic context (GRCh38, chr14:95,096,395, plus strand): 5'-TCCAGAACCCCACCACAAAGTCATCTTCTTCAACAGCTTTGCTAGGATCCAGATAGCACA[T>C]TGCATCCCAAGAGCTGTAGTCAAAATCCTCAAAATCTGATGAAAATGGCATACTACCTAA-3'
Protein context (NP_803187.1, residues 1499-1519): EDFDYSSWDA[Met1509Val]CYLDPSKAVE

ClinVar aggregate classification (germline): Uncertain significance. Review status: criteria provided, multiple submitters, no conflicts (2 of 4 stars). 3 submissions from 3 submitters: Uncertain significance (3). Last evaluated 2026-05-28.

Conditions:
Global developmental delay - lung cysts - overgrowth - Wilms tumor syndrome. Also called: GLOW Syndrome; GLOBAL DEVELOPMENTAL DELAY, LUNG CYSTS, OVERGROWTH, AND WILMS TUMOR. Identifiers: Orphanet 404476, MedGen C4748924, MONDO:0018445, OMIM 618272.
Hereditary cancer-predisposing syndrome. Also called: Hereditary Cancer Syndrome; Neoplastic Syndromes, Hereditary; Hereditary neoplastic syndrome; Tumor predisposition. Identifiers: Orphanet 140162, MedGen C0027672, MeSH D009386, MONDO:0015356.
DICER1-related tumor predisposition. Also called: DICER1-related pleuropulmonary blastoma cancer predisposition syndrome; DICER1 syndrome. Identifiers: Orphanet 284343, MedGen C3839822, MONDO:0100216.

Allele frequency attached by ClinVar (database versions not stated): gnomAD exomes below 0.00001.

Submissions (3):

Ambry Genetics
Classification: Uncertain significance for Hereditary cancer-predisposing syndrome. Last evaluated: 2026-05-28. Review status: criteria provided, single submitter. Criteria: Ambry Variant Classification Scheme 2023. Collection method: clinical testing. Allele origin: germline.
Comment: The p.M1509V variant (also known as c.4525A>G), located in coding exon 22 of the DICER1 gene, results from an A to G substitution at nucleotide position 4525. The methionine at codon 1509 is replaced by valine, an amino acid with highly similar properties. This amino acid position is conserved. In addition, this alteration is predicted to be deleterious by in silico analysis. Based on the available evidence, the clinical significance of this variant remains unclear.

Baylor Genetics
Classification: Uncertain significance for Global developmental delay - lung cysts - overgrowth - Wilms tumor syndrome. Last evaluated: 2024-02-15. Review status: criteria provided, single submitter. Criteria: ACMG Guidelines, 2015. Collection method: clinical testing. Allele origin: unknown.

Labcorp Genetics (formerly Invitae), Labcorp
Classification: Uncertain significance for DICER1-related tumor predisposition. Last evaluated: 2022-08-08. Review status: criteria provided, single submitter. Criteria: Invitae Variant Classification Sherloc (09022015). Collection method: clinical testing. Allele origin: germline.
Comment: In summary, the available evidence is currently insufficient to determine the role of this variant in disease. Therefore, it has been classified as a Variant of Uncertain Significance. Algorithms developed to predict the effect of missense changes on protein structure and function are either unavailable or do not agree on the potential impact of this missense change (SIFT: "Tolerated"; PolyPhen-2: "Probably Damaging"; Align-GVGD: "Class C0"). This variant has not been reported in the literature in individuals affected with DICER1-related conditions. This variant is not present in population databases (gnomAD no frequency). This sequence change replaces methionine, which is neutral and non-polar, with valine, which is neutral and non-polar, at codon 1509 of the DICER1 protein (p.Met1509Val).